The following is an entry in ClinVar:

ClinVar aggregate classification (germline): Uncertain significance. Review status: criteria provided, multiple submitters, no conflicts (2 of 4 stars). 2 submissions from 2 submitters: Uncertain significance (2). Last evaluated 2025-07-30.

Conditions:
Cardiovascular phenotype. Identifiers: MedGen CN230736.

Submissions (2):

Ambry Genetics
Classification: Uncertain significance for Cardiovascular phenotype. Last evaluated: 2025-07-30. Review status: criteria provided, single submitter. Criteria: Ambry Variant Classification Scheme 2023. Collection method: clinical testing. Allele origin: germline.
Comment: The p.M120V variant (also known as c.358A>G), located in coding exon 5 of the TNNC1 gene, results from an A to G substitution at nucleotide position 358. The methionine at codon 120 is replaced by valine, an amino acid with highly similar properties. This amino acid position is conserved. In addition, the in silico prediction for this alteration is inconclusive. Based on the available evidence, the clinical significance of this variant remains unclear.

Molecular Diagnostic Laboratory for Inherited Cardiovascular Disease, Montreal Heart Institute
Classification: Uncertain significance for Cardiovascular phenotype. Last evaluated: 2025-04-09. Review status: criteria provided, single submitter. Criteria: ACMG Guidelines, 2015. Collection method: clinical testing. Allele origin: germline. Affected: yes.

NM_003280.3(TNNC1):c.358A>G (p.Met120Val)

Gene: TNNC1 (troponin C1, slow skeletal and cardiac type; minus strand). Cytogenetic location: 3p21.1.
Variant type: single nucleotide variant.
Coding change: c.358A>G on transcript NM_003280.3 (MANE Select); coding-DNA position 358, A replaced by G.
Protein change: p.Met120Val; replaces methionine 120 with valine.
Molecular consequence: missense variant.
Genome position (GRCh38, 1-based): chr3:52,451,487, T>C on the plus strand (A>G on the coding strand, the complement: TNNC1 is on the minus strand). VCF-style: chr3-52451487-T-C. GRCh37 (hg19) VCF-style: chr3-52485503-T-C.
Other names: short protein forms M120V.
Identifiers: ClinVar variation 3894752 (VCV003894752.2).
Genomic context (GRCh38, chr3:52,451,487, plus strand): 5'-CGTCCTTCATGAGCTCCTCGATGTCGTCCTCCGTGATGGTCTCGCCTGTAGCCTGCAGCA[T>C]TATCTTCAGCTCATCCAGGTCGATGTAGCCATCAGCATTTCTGTGGGGAGGGGGCTCAGG-3'
Protein context (NP_003271.1, residues 110-130): GYIDLDELKI[Met120Val]LQATGETITE